The following continues an entry in ClinVar:

NM_000053.4(ATP7B):c.2333G>T (p.Arg778Leu)

Gene: ATP7B. ClinVar aggregate classification (germline): Pathogenic. Pathogenic (23).

Submissions 9 to 21 of 27:

All of Us Research Program, National Institutes of Health
Classification: Pathogenic for Wilson disease. Last evaluated: 2024-09-27. Review status: criteria provided, single submitter. Criteria: ACMG Guidelines, 2015. Collection method: clinical testing. Allele origin: germline. Inheritance: Autosomal recessive inheritance. Observed: 11 variant alleles, 11 heterozygotes.
Comment: This missense variant replaces arginine with leucine at codon 778 of the ATP7B protein. Computational prediction suggests that this variant may have deleterious impact on protein structure and function (internally defined REVEL score threshold >= 0.7, PMID: 27666373). Functional studies have shown the mutant protein to exhibit severe subcellular mislocalization and fail to reach the trans-Golgi network - its functional site (PMID: 10942420, 19937698, 34877514). A CRISPR-targeted editing of the mutant ATP7B gene restored the subcellular localization of ATP7B, its subcellular trafficking in response to copper overload, and its copper exportation function (PMID: 34877514). This variant is a common mutation in Chinese individuals affected with Wilson disease and has been reported in numerous biallelic individuals (PMID: 33668890, 35220961, 35446965). This variant has been identified in 37/280796 chromosomes (37/19538 East Asian chromosomes) in the general population by the Genome Aggregation Database (gnomAD). Based on the available evidence, this variant is classified as Pathogenic.

This study involves interpretation of variants in research participants for the purpose of population health screening. Participant phenotype was not available at the time of variant classification. Additional details can be found in publication PMID: 35346344, PMCID: PMC8962531

Color Diagnostics, LLC DBA Color Health
Classification: Pathogenic for Wilson disease. Last evaluated: 2024-06-11. Review status: criteria provided, single submitter. Criteria: ACMG Guidelines, 2015. Collection method: clinical testing. Allele origin: germline.
Comment: This missense variant replaces arginine with leucine at codon 778 of the ATP7B protein. Computational prediction suggests that this variant may have a deleterious impact on protein structure and function. Functional studies have shown the mutant protein to exhibit severe subcellular mislocalization and fail to reach the trans-Golgi network - its functional site (PMID: 10942420, 19937698, 34877514). CRISPR-targeted editing of the mutant ATP7B gene restored the subcellular localization of ATP7B, its subcellular trafficking in response to copper overload, and its copper exportation function (PMID: 34877514). This variant is a common mutation in Chinese individuals affected with Wilson disease and has been reported in numerous biallelic individuals (PMID: 33668890, 35220961, 35446965). This variant has been identified in 37/280796 chromosomes (37/19538 East Asian chromosomes) in the general population by the Genome Aggregation Database (gnomAD). Based on the available evidence, this variant is classified as Pathogenic.

Baylor Genetics
Classification: Pathogenic for Wilson disease. Last evaluated: 2024-03-21. Review status: criteria provided, single submitter. Criteria: ACMG Guidelines, 2015. Collection method: clinical testing. Allele origin: unknown.

Fulgent Genetics
Classification: Pathogenic for Wilson disease. Last evaluated: 2023-12-27. Review status: criteria provided, single submitter. Criteria: ACMG Guidelines, 2015. Collection method: clinical testing. Allele origin: germline.

GeneDx
Classification: Pathogenic. Last evaluated: 2022-04-21. Review status: criteria provided, single submitter. Criteria: GeneDx Variant Classification Process June 2021. Collection method: clinical testing. Allele origin: germline. Affected: yes.
Comment: Functional expression studies with the R778L variant in yeast showed defective rescue of normal copper transport function (Forbes et al., 1998). Expression studies in CHO cells demonstrated this variant disrupted both the normal localization and trafficking of ATP7B (Zhu et al., 2015); In silico analysis supports that this missense variant has a deleterious effect on protein structure/function; This variant is associated with the following publications: (PMID: 24253677, 24878384, 26782526, 27398169, 30366773, 16998622, 11479773, 23518715, 19419418, 34458581, 34666712, 29979436, 35357466, 9837819, 11405812, 19937698, 10942420, 23235335, 10721669, 25086856, 19783880, 22692182, 7626145, 26032686, 14986826, 21796144, 23843956, 25988284, 12812649, 28212618, 29907136, 17587212, 11243728, 17160357, 10453196, 9554743, 16133174, 29961769, 30655162, 31010795, 29181760, 30384382, 30558096, 31474638, 31637888, 31783295, 31804371, 31743419, 30275481, 32005694, 34539730, 34240825, 34345444, 33096383, 34324271, 33668890, 32911910, 33763395, 32794656)

AiLife Diagnostics
Classification: Pathogenic. Last evaluated: 2022-03-07. Review status: criteria provided, single submitter. Criteria: ACMG Guidelines, 2015. Collection method: clinical testing. Allele origin: germline. Affected: yes. Observed: 1 variant allele.

Provincial Medical Genetics Program of British Columbia, University of British Columbia
Classification: Pathogenic for Wilson disease. Last evaluated: 2022-01-01. Review status: criteria provided, single submitter. Criteria: ACMG Guidelines, 2015. Collection method: clinical testing. Allele origin: maternal. Affected: yes.

Genome-Nilou Lab
Classification: Pathogenic for Wilson disease. Last evaluated: 2021-08-10. Review status: criteria provided, single submitter. Criteria: ACMG Guidelines, 2015. Collection method: clinical testing. Allele origin: germline. Affected: no.

Laboratory for Molecular Medicine, Mass General Brigham Personalized Medicine
Classification: Pathogenic for Wilson disease. Last evaluated: 2020-03-29. Review status: criteria provided, single submitter. Criteria: ACMG Guidelines, 2015. Collection method: clinical testing. Allele origin: germline. Inheritance: Autosomal recessive inheritance.
Comment: The p.Arg778Leu variant in ATP7B is the most common pathogenic variant causative for Wilson disease in Asian populations, with many homozygous and compound heterozygous probands reported and at least 4 segregations in affected relatives from 4 families (Hua 2016, Shimizu 1999, Shiono 2001, Wu 2001, Yoo 2002). It has also been reported in by clinical laboratories in ClinVar (Variation ID 3852) and has been identified in 0.189% (37/19538) of East Asian chromosomes by gnomAD. This frequency is consistent with a recessive carrier frequency. In vitro functional studies have shown that this variant results in mislocalization of the protein and abnormal copper transport (Forbes 1998, van den Berghe 2009, Zhu 2015). Computational prediction tools and conservation analyses suggest an impact to the protein. In summary, this variant meets criteria to be classified as pathogenic for autosomal recessive Wilson disease. ACMG/AMP criteria applied: PM3_VeryStrong, PP1_Strong, PS3_Supporting, PP3.

Beijing Key Laboratry for Genetics of Birth Defects, Beijing Children's Hospital
Classification: Pathogenic for Wilson disease. Last evaluated: 2020-02-28. Review status: criteria provided, single submitter. Criteria: ACMG Guidelines, 2015. Collection method: clinical testing. Allele origin: germline. Affected: yes. Observed: 1 variant allele.

Myriad Genetics, Inc.
Classification: Pathogenic for Wilson disease. Last evaluated: 2019-12-19. Review status: criteria provided, single submitter. Criteria: Myriad Women's Health Autosomal Recessive and X-Linked Classification Criteria (2019). Collection method: clinical testing. Allele origin: unknown.
Comment: NM_000053.3(ATP7B):c.2333G>T(R778L) is classified as pathogenic in the context of Wilson disease. Sources cited for classification include the following: PMID 17587212 and 11405812. Classification of NM_000053.3(ATP7B):c.2333G>T(R778L) is based on the following criteria: This is a well-established pathogenic variant in the literature that has been observed more frequently in patients with clinical diagnoses than in healthy populations. Please note: this variant was assessed in the context of healthy population screening.

Women's Health and Genetics/Laboratory Corporation of America, LabCorp
Classification: Pathogenic for Wilson disease. Last evaluated: 2017-09-14. Review status: criteria provided, single submitter. Criteria: LabCorp Variant Classification Summary - May 2015. Collection method: clinical testing. Allele origin: germline.
Comment: Variant summary: The ATP7B c.2333G>T (p.Arg778Leu) variant involves the alteration of a conserved nucleotide, resulting in a missense change that lies within the P-type ATPase, transmembrane domain (InterPro). 5/5 in silico tools predict a damaging outcome for this variant. This variant was found in 8/246194 control chromosomes at a frequency of 0.0000325, which does not exceed the estimated maximal expected allele frequency of a pathogenic ATP7B variant (0.0054006). This variant has been identified in numerous patients as compound heterozygous and homozygous, and multiple other mutations have been reported in patients at the same codon (R778L, R778G, R778Q, and R778W), suggesting the site is a mutational hotspot. Functional studies in yeast showed that copper transport was severely impaired and the variant protein was mislocalized to the ER and/or lysosomes (Forbes_2000). In addition, multiple clinical diagnostic laboratories/reputable databases classified this variant as pathogenic. Taken together, this variant is classified as pathogenic.

Illumina Laboratory Services, Illumina
Classification: Pathogenic for Wilson disease. Last evaluated: 2017-04-28. Review status: criteria provided, single submitter. Criteria: ICSL Variant Classification Criteria 09 May 2019. Collection method: clinical testing. Allele origin: germline.
Comment: The ATP7B c.2333G>T (p.Arg778Leu) variant is widely reported in the literature as a common variant in Wilson disease (WD) in Asian populations. Across a selection of available literature, the p.Arg778Leu variant has been identified in 114 WD patients of Chinese, Japanese, and Korean ancestry, including 32 homozygotes, 57 compound heterozygotes, and 32 heterozygotes. The variant was also found in a heterozygous state in six unaffected parents of probands (Thomas et al. 1995; Kusuda et al. 2000; Wu et al. 2001; Yoo et al. 2002; Bae et al. 2009; Hua et al. 2016, Zong et al. 2016). Wu et al. (2001) found that patients who were homozygous for the p.Arg778Leu variant had an earlier age of onset (14.2 years vs. 22.0 years) and neurologic rather than hepatic symptoms at onset when compared to compound heterozygotes. The p.Arg778Leu variant was absent from 60 controls (Wu et al. 2001), but is reported at a frequency of 0.00232 in the East Asian population of the Exome Aggregation Consortium. Van den Berghe et al. (2009) demonstrated reduced protein expression and mislocalization to the endoplasmic reticulum of the p.Arg778Leu variant protein compared to wild type. Zhu et al. (2015) showed that the p.Arg778Leu variant caused reduced copper excretion and impaired the protective effect of the wild type protein on cell exposed to excess copper. Based on the collective evidence, the p.Arg778Leu variant is classified as pathogenic for Wilson disease. This variant was observed by ICSL as part of a predisposition screen in an ostensibly healthy population.